The following is an entry in ClinVar:

ClinVar aggregate classification (germline): Benign (1 of 4 stars; one submission).

Allele frequency attached by ClinVar (database versions not stated): gnomAD 0.24240 and 0.24348; TOPMed 0.25665; 1000 Genomes Project 30x 0.29948; 1000 Genomes Project 0.30702.
gnomAD v4.1: 24,119 of 99,210 alleles (24%); highest among the groups gnomAD compares: South Asian, 34%; 2,654 homozygotes.

Submission:

GeneDx
Classification: Benign. Last evaluated: 2018-06-19. Review status: criteria provided, single submitter. Criteria: GeneDx Variant Classification (06012015). Collection method: clinical testing. Allele origin: germline. Affected: yes.
Comment: This variant is considered likely benign or benign based on one or more of the following criteria: it is a conservative change, it occurs at a poorly conserved position in the protein, it is predicted to be benign by multiple in silico algorithms, and/or has population frequency not consistent with disease.

NM_000052.7(ATP7A):c.4123+288A>G

Gene: ATP7A (ATPase copper transporting alpha; plus strand). Cytogenetic location: Xq21.1.
Variant type: single nucleotide variant.
Coding change: c.4123+288A>G on transcript NM_000052.7 (MANE Select); 288 bases into the intron after coding-DNA position 4123, A replaced by G.
Molecular consequence: intron variant.
Genome position (GRCh38, 1-based): chrX:78,043,722, A>G. VCF-style: chrX-78043722-A-G. GRCh37 (hg19) VCF-style: chrX-77299220-A-G.
Other names: c.3889+288A>G (NM_001282224.2).
Identifiers: ClinVar variation 683244 (VCV000683244.1), dbSNP rs112181954, ClinGen allele CA15009053.